The following is an entry in ClinVar:

NM_004247.4(EFTUD2):c.622C>T (p.His208Tyr)

Gene: EFTUD2 (elongation factor Tu GTP binding domain containing 2; minus strand). Cytogenetic location: 17q21.31.
Variant type: single nucleotide variant.
Coding change: c.622C>T on transcript NM_004247.4 (MANE Select); coding-DNA position 622, C replaced by T.
Protein change: p.His208Tyr; replaces histidine 208 with tyrosine.
Molecular consequence: missense variant.
Genome position (GRCh38, 1-based): chr17:44,879,636, G>A on the plus strand (C>T on the coding strand, the complement: EFTUD2 is on the minus strand). VCF-style: chr17-44879636-G-A. GRCh37 (hg19) VCF-style: chr17-42957004-G-A.
Other names: c.517C>T, p.His173Tyr (NM_001142605.2); c.622C>T, p.His208Tyr (NM_001258353.2); c.592C>T, p.His198Tyr (NM_001258354.2); short protein forms H173Y, H198Y, H208Y.
Identifiers: ClinVar variation 1310916 (VCV001310916.2), dbSNP rs2145532868, ClinGen allele CA399822285.

ClinVar aggregate classification (germline): Uncertain significance (1 of 4 stars; one submission).

Submission:

GeneDx
Classification: Uncertain significance. Last evaluated: 2019-12-12. Review status: criteria provided, single submitter. Criteria: GeneDx Variant Classification Process June 2021. Collection method: clinical testing. Allele origin: germline. Affected: yes.
Comment: Not observed in large population cohorts (Lek et al., 2016); In silico analysis, which includes protein predictors and evolutionary conservation, supports a deleterious effect; Has not been previously published as pathogenic or benign to our knowledge